The following is an entry in ClinVar:

ClinVar aggregate classification (germline): Uncertain significance (1 of 4 stars; one submission).

Allele frequency attached by ClinVar (database versions not stated): gnomAD exomes below 0.00001.
gnomAD v4.1: 2 of 1,613,498 alleles (0.00012%); highest among the groups gnomAD compares: African/African-American, 0.0027%; no homozygotes.

Submission:

Labcorp Genetics (formerly Invitae), Labcorp
Classification: Uncertain significance. Last evaluated: 2023-09-11. Review status: criteria provided, single submitter. Criteria: Invitae Variant Classification Sherloc (09022015). Collection method: clinical testing. Allele origin: germline.
Comment: In summary, the available evidence is currently insufficient to determine the role of this variant in disease. Therefore, it has been classified as a Variant of Uncertain Significance. Algorithms developed to predict the effect of missense changes on protein structure and function output the following: SIFT: "Not Available"; PolyPhen-2: "Not Available"; Align-GVGD: "Not Available". The threonine amino acid residue is found in multiple mammalian species, which suggests that this missense change does not adversely affect protein function. This variant has not been reported in the literature in individuals affected with DNA2-related conditions. This variant is not present in population databases (gnomAD no frequency). This sequence change replaces isoleucine, which is neutral and non-polar, with threonine, which is neutral and polar, at codon 958 of the DNA2 protein (p.Ile958Thr).

NM_001080449.3(DNA2):c.2873T>C (p.Ile958Thr)

Gene: DNA2 (DNA replication helicase/nuclease 2; minus strand). Cytogenetic location: 10q21.3.
Variant type: single nucleotide variant.
Coding change: c.2873T>C on transcript NM_001080449.3 (MANE Select); coding-DNA position 2873, T replaced by C.
Protein change: p.Ile958Thr; replaces isoleucine 958 with threonine.
Molecular consequence: missense variant. On other transcripts: non-coding transcript variant (1).
Genome position (GRCh38, 1-based): chr10:68,419,128, A>G on the plus strand (T>C on the coding strand, the complement: DNA2 is on the minus strand). VCF-style: chr10-68419128-A-G. GRCh37 (hg19) VCF-style: chr10-70178885-A-G.
Other names: short protein forms I958T.
Identifiers: ClinVar variation 2787745 (VCV002787745.3), dbSNP rs2493894984, ClinGen allele CA376841469.